The following is an entry in ClinVar:

ClinVar aggregate classification (germline): Uncertain significance (1 of 4 stars; one submission).

Conditions:
Inborn genetic diseases. Identifiers: MedGen C0950123, MeSH D030342.

gnomAD v4.1: 2 of 1,613,438 alleles (0.00012%); highest among the groups gnomAD compares: Non-Finnish European, 0.00017%; no homozygotes.

Submission:

Ambry Genetics
Classification: Uncertain significance for Inborn genetic diseases. Last evaluated: 2026-04-22. Review status: criteria provided, single submitter. Criteria: Ambry Variant Classification Scheme 2023. Collection method: clinical testing. Allele origin: germline.
Comment: The p.S159A variant (also known as c.475T>G), located in coding exon 4 of the BMPR2 gene, results from a T to G substitution at nucleotide position 475. The serine at codon 159 is replaced by alanine, an amino acid with similar properties. This amino acid position is conserved. In addition, the in silico prediction for this alteration is inconclusive. Based on the available evidence, the clinical significance of this variant remains unclear.

NM_001204.7(BMPR2):c.475T>G (p.Ser159Ala)

Gene: BMPR2 (bone morphogenetic protein receptor type 2; plus strand). Cytogenetic location: 2q33.2.
Variant type: single nucleotide variant.
Coding change: c.475T>G on transcript NM_001204.7 (MANE Select); coding-DNA position 475, T replaced by G.
Protein change: p.Ser159Ala; replaces serine 159 with alanine.
Molecular consequence: missense variant.
Genome position (GRCh38, 1-based): chr2:202,513,775, T>G. VCF-style: chr2-202513775-T-G. GRCh37 (hg19) VCF-style: chr2-203378498-T-G.
Other names: short protein forms S159A.
Identifiers: ClinVar variation 4867610 (VCV004867610.1).